The following is an entry in ClinVar:

NM_016239.4(MYO15A):c.1327G>T (p.Val443Leu)

Gene: MYO15A (myosin XVA; plus strand). Cytogenetic location: 17p11.2.
Variant type: single nucleotide variant.
Coding change: c.1327G>T on transcript NM_016239.4 (MANE Select); coding-DNA position 1327, G replaced by T.
Protein change: p.Val443Leu; replaces valine 443 with leucine.
Molecular consequence: missense variant.
Genome position (GRCh38, 1-based): chr17:18,120,127, G>T. VCF-style: chr17-18120127-G-T. GRCh37 (hg19) VCF-style: chr17-18023441-G-T.
Other names: short protein forms V443L.
Identifiers: ClinVar variation 4976555 (VCV004976555.1).
Genomic context (GRCh38, chr17:18,120,127, plus strand): 5'-AACCCGTATGCCCACGCCATGGATGACATCGCCGAGCTGGAGGAACCAGAGGACGCGGGC[G>T]TAGAGCGTCAGGGGACCTCCTTCCGCCTGCCCAGCGCCGCCTTCTTCGAGCAGCAAGGCA-3'
Protein context (NP_057323.3, residues 433-453): AELEEPEDAG[Val443Leu]ERQGTSFRLP

ClinVar aggregate classification (germline): Uncertain significance (1 of 4 stars; one submission).

Submission:

GeneDx
Classification: Uncertain significance. Last evaluated: 2026-02-15. Review status: criteria provided, single submitter. Criteria: GeneDx Variant Classification Process June 2021. Collection method: clinical testing. Allele origin: germline.
Comment: Not observed at significant frequency in large population cohorts (gnomAD); In silico analysis suggests that this missense variant does not alter protein structure/function; Has not been previously published as pathogenic or benign to our knowledge